The following is an entry in ClinVar:

NM_006922.4(SCN3A):c.3557A>C (p.Glu1186Ala)

Gene: SCN3A (sodium voltage-gated channel alpha subunit 3; minus strand). Cytogenetic location: 2q24.3.
Variant type: single nucleotide variant.
Coding change: c.3557A>C on transcript NM_006922.4 (MANE Select); coding-DNA position 3557, A replaced by C.
Protein change: p.Glu1186Ala; replaces glutamic acid 1186 with alanine.
Molecular consequence: missense variant.
Genome position (GRCh38, 1-based): chr2:165,113,928, T>G on the plus strand (A>C on the coding strand, the complement: SCN3A is on the minus strand). VCF-style: chr2-165113928-T-G. GRCh37 (hg19) VCF-style: chr2-165970438-T-G.
Other names: c.3410A>C, p.Glu1137Ala (NM_001081676.2, NM_001081677.2); short protein forms E1137A, E1186A.
Identifiers: ClinVar variation 3367915 (VCV003367915.1).

ClinVar aggregate classification (germline): Uncertain significance (1 of 4 stars; one submission).

Submission:

GeneDx
Classification: Uncertain significance. Last evaluated: 2024-01-12. Review status: criteria provided, single submitter. Criteria: GeneDx Variant Classification Process June 2021. Collection method: clinical testing. Allele origin: germline. Affected: yes.
Comment: Not observed at significant frequency in large population cohorts (gnomAD); In silico analysis supports that this missense variant has a deleterious effect on protein structure/function; Has not been previously published as pathogenic or benign to our knowledge